The following is an entry in ClinVar:

NM_000170.3(GLDC):c.1360G>A (p.Ala454Thr)

Gene: GLDC (glycine decarboxylase; minus strand). Cytogenetic location: 9p24.1.
Variant type: single nucleotide variant.
Coding change: c.1360G>A on transcript NM_000170.3 (MANE Select); coding-DNA position 1360, G replaced by A.
Protein change: p.Ala454Thr; replaces alanine 454 with threonine.
Molecular consequence: missense variant.
Genome position (GRCh38, 1-based): chr9:6,592,892, C>T on the plus strand (G>A on the coding strand, the complement: GLDC is on the minus strand). VCF-style: chr9-6592892-C-T. GRCh37 (hg19) VCF-style: chr9-6592892-C-T.
Other names: short protein forms A454T.
Identifiers: ClinVar variation 2037882 (VCV002037882.3), dbSNP rs761279734, ClinGen allele CA4980749.

ClinVar aggregate classification (germline): Uncertain significance. Review status: criteria provided, multiple submitters, no conflicts (2 of 4 stars). 2 submissions from 2 submitters: Uncertain significance (2). Last evaluated 2026-08-12.

Conditions:
Glycine encephalopathy. Also called: Non-ketotic hyperglycinemia; Nonketotic hyperglycinemia. Identifiers: Orphanet 407, MedGen C0751748, MONDO:0011612, HP:0008288.

Allele frequency attached by ClinVar (database versions not stated): TOPMed below 0.00001; ExAC 0.00001; gnomAD 0.00001.
gnomAD v4.1: 14 of 1,613,706 alleles (0.00087%); highest among the groups gnomAD compares: South Asian, 0.0011%; no homozygotes.

Submissions (2):

GeneDx
Classification: Uncertain significance. Last evaluated: 2026-08-12. Review status: criteria provided, single submitter. Criteria: GeneDx Variant Classification Process June 2021. Collection method: clinical testing. Allele origin: germline.
Comment: Not observed at significant frequency in large population cohorts (gnomAD); In silico analysis suggests that this missense variant does not alter protein structure/function; Has not been previously published as pathogenic or benign to our knowledge

Labcorp Genetics (formerly Invitae), Labcorp
Classification: Uncertain significance for Glycine encephalopathy. Last evaluated: 2022-05-15. Review status: criteria provided, single submitter. Criteria: Invitae Variant Classification Sherloc (09022015). Collection method: clinical testing. Allele origin: germline.
Comment: This sequence change replaces alanine, which is neutral and non-polar, with threonine, which is neutral and polar, at codon 454 of the GLDC protein (p.Ala454Thr). This variant is present in population databases (rs761279734, gnomAD 0.002%). This variant has not been reported in the literature in individuals affected with GLDC-related conditions. Advanced modeling of protein sequence and biophysical properties (such as structural, functional, and spatial information, amino acid conservation, physicochemical variation, residue mobility, and thermodynamic stability) performed at Invitae indicates that this missense variant is not expected to disrupt GLDC protein function. In summary, the available evidence is currently insufficient to determine the role of this variant in disease. Therefore, it has been classified as a Variant of Uncertain Significance.